The following is an entry in ClinVar:

NM_016148.5(SHANK1):c.733C>T (p.Arg245Trp)

Gene: SHANK1 (SH3 and multiple ankyrin repeat domains 1; minus strand). Cytogenetic location: 19q13.33.
Variant type: single nucleotide variant.
Coding change: c.733C>T on transcript NM_016148.5 (MANE Select); coding-DNA position 733, C replaced by T.
Protein change: p.Arg245Trp; replaces arginine 245 with tryptophan.
Molecular consequence: missense variant.
Genome position (GRCh38, 1-based): chr19:50,713,857, G>A on the plus strand (C>T on the coding strand, the complement: SHANK1 is on the minus strand). VCF-style: chr19-50713857-G-A. GRCh37 (hg19) VCF-style: chr19-51217114-G-A.
Other names: short protein forms R245W.
Identifiers: ClinVar variation 2505180 (VCV002505180.1), dbSNP rs770588422, ClinGen allele CA9602091.
Genomic context (GRCh38, chr19:50,713,857, plus strand): 5'-CCGTGAGTGCCAGGCAGTGTCGGGCGCATGCGGCCTTATGCAGTGCGGTCATGCCATCCC[G>A]GGCCCGGAAGTCAATGTGGGCCCCGCCCAGGCACAGGGTTCGAATCACCTCTACAGAGCC-3'
Protein context (NP_057232.2, residues 235-255): LGGAHIDFRA[Arg245Trp]DGMTALHKAA

ClinVar aggregate classification (germline): Likely pathogenic (1 of 4 stars; one submission).

Conditions:
SHANK1-related autism.

Allele frequency attached by ClinVar (database versions not stated): gnomAD exomes below 0.00001; ExAC 0.00001.
gnomAD v4.1: 4 of 1,613,980 alleles (0.00025%); highest among the groups gnomAD compares: Non-Finnish European, 0.00034%; no homozygotes.

Submission:

Greenwood Genetic Center Diagnostic Laboratories, Greenwood Genetic Center
Classification: Likely pathogenic for SHANK1-related autism. Last evaluated: 2023-02-22. Review status: criteria provided, single submitter. Criteria: ACMG Guidelines, 2015. Collection method: clinical testing. Allele origin: germline. Affected: yes.
Comment: PS2, PM2, PP2